The following is an entry in ClinVar:

NM_000443.4(ABCB4):c.959C>T (p.Ser320Phe)

Gene: ABCB4 (ATP binding cassette subfamily B member 4; minus strand). Cytogenetic location: 7q21.12.
Variant type: single nucleotide variant.
Coding change: c.959C>T on transcript NM_000443.4 (MANE Select); coding-DNA position 959, C replaced by T.
Protein change: p.Ser320Phe; replaces serine 320 with phenylalanine.
Molecular consequence: missense variant.
Genome position (GRCh38, 1-based): chr7:87,447,080, G>A on the plus strand (C>T on the coding strand, the complement: ABCB4 is on the minus strand). VCF-style: chr7-87447080-G-A. GRCh37 (hg19) VCF-style: chr7-87076396-G-A.
Other names: c.959C>T, p.Ser320Phe (NM_018849.3, NM_018850.3); short protein forms S320F.
Identifiers: ClinVar variation 13690 (VCV000013690.69), dbSNP rs72552778, ClinGen allele CA123359.

ClinVar aggregate classification (germline): Pathogenic/Likely pathogenic. Review status: criteria provided, multiple submitters, no conflicts (2 of 4 stars). 21 submissions from 20 submitters: Pathogenic (13); Likely pathogenic (2). 6 of the submissions do not count toward it. Last evaluated 2026-09-01.

Conditions:
Autosomal recessive ABCB4-related disorders.
Familial intrahepatic cholestasis. Identifiers: Orphanet 284385, MedGen CN296401, MONDO:0017290.
Low phospholipid associated cholelithiasis (GBD1). Also called: Gallbladder disease 1; Gallstone cholecystitis. Identifiers: Orphanet 69663, MedGen C2609268, MONDO:0010939, OMIM 600803.
ABCB4-related disorder. Also called: ABCB4-related disorders; ABCB4-related condition.
Progressive familial intrahepatic cholestasis (PFIC). Also called: Progressive family intrahepatic cholestasis; Progressive intrahepatic cholestasis. Identifiers: Orphanet 172, MedGen C0268312, MONDO:0015762.
Progressive familial intrahepatic cholestasis type 3. Also called: MDR3 DEFICIENCY; Low Gamma-GT Familial Intrahepatic Cholestasis. Identifiers: Orphanet 79305, MedGen C1865643, MONDO:0011214, OMIM 602347.
Cholestasis, intrahepatic, of pregnancy, 3. Identifiers: Orphanet 69665, MedGen C3554241, MONDO:0013995, OMIM 614972.

Allele frequency attached by ClinVar (database versions not stated): TOPMed 0.00015; gnomAD 0.00017 and 0.00018; gnomAD exomes 0.00018 and 0.00016; ExAC 0.00012.
gnomAD v4.1: 280 of 1,613,618 alleles (0.017%); highest among the groups gnomAD compares: Non-Finnish European, 0.022%; no homozygotes.

Submissions 1 to 10 of 21:

GeneDx
Classification: Pathogenic. Last evaluated: 2026-09-01. Review status: criteria provided, single submitter. Criteria: GeneDx Variant Classification Process June 2021. Collection method: clinical testing. Allele origin: germline.
Comment: One in vitro study showed decreased transport activity, while another showed reduced protein expression but normal protein function (PMID: 26153658, 24381502); In silico analysis supports that this missense variant has a deleterious effect on protein structure/function; This variant is associated with the following publications: (PMID: 19490418, 17562004, 26699824, 23533021, 24381502, 22331132, 11313316, 19840255, 17786139, 19584064, 15077010, 16890614, 17726488, 21119540, 26324191, 28776642, 29761167, 24806754, 28733223, 30487145, 31538484, 32793533, 32581362, 35288833, 37822304, 34376370, 33258288, 36330364, 33390354, 32893960, 32650689, 26153658, 37701337)

PreventionGenetics, part of Exact Sciences
Classification: Likely pathogenic for ABCB4-related condition. Last evaluated: 2026-05-19. Review status: criteria provided, single submitter. Criteria: ACMG Guidelines, 2015. Collection method: clinical testing. Allele origin: germline.
Comment: The ABCB4 c.959C>T variant is predicted to result in the amino acid substitution p.Ser320Phe. This variant has been reported, in the homozygous or in the heterozygous state with a second potentially causative variant, in several individuals with cholestasis phenotypes (see for example, Rosmorduc et al. 2001. PubMed ID: 11313316; Keitel et al. 2006. PubMed ID: 16890614; Degiorgio et al. 2007 PubMed ID: 17726488). In vitro functional assessment has been inconclusive (Kim et al. 2013. PubMed ID: 24381502; Andress et al. 2014. PubMed ID: 24806754; Gordo-Gilart et al. 2015. PubMed ID: 26153658). This variant is reported in 0.029% of alleles in individuals of European (Non-Finnish) descent in gnomAD. This variant is interpreted as likely pathogenic.

Genomenon, Inc
Classification: Pathogenic for Familial intrahepatic cholestasis; Low phospholipid associated cholelithiasis. Last evaluated: 2026-04-14. Review status: criteria provided, single submitter. Criteria: Genomenon Sequence Variant Interpretation Standards - Updated. Collection method: curation. Allele origin: germline. Affected: yes.
Comment: ABCB4 p.Ser320Phe (c.959C>T) is a missense variant that changes the amino acid at residue 320 from Serine to Phenylalanine. This variant has been observed in at least one proband with an ABCB4-related disorder (PMID:36330364;33757843;31538484;28776642;28733223;11313316;26699824;16890614;21119540). The variant was found to segregate with disease in at least one affected family (PMID:26699824;21119540). At least one functional study has demonstrated a substantial alteration in protein function relative to the wild-type (PMID:24806754;24381502). It is absent or not present at a significant frequency in gnomAD. In silico models predict that this variant is possibly or probably damaging. In conclusion, we classify ABCB4 p.Ser320Phe (c.959C>T) as a pathogenic variant.

Labcorp Genetics (formerly Invitae), Labcorp
Classification: Pathogenic. Last evaluated: 2026-01-24. Review status: criteria provided, single submitter. Criteria: Invitae Variant Classification Sherloc (09022015). Collection method: clinical testing. Allele origin: germline.
Comment: This sequence change replaces serine, which is neutral and polar, with phenylalanine, which is neutral and non-polar, at codon 320 of the ABCB4 protein (p.Ser320Phe). This variant is present in population databases (rs72552778, gnomAD 0.03%). This missense change has been observed in individuals with clinical features of autosomal recessive progressive familial intrahepatic cholestasis type 3 (PMID: 11313316, 32893960). ClinVar contains an entry for this variant (Variation ID: 13690). Invitae Evidence Modeling of protein sequence and biophysical properties (such as structural, functional, and spatial information, amino acid conservation, physicochemical variation, residue mobility, and thermodynamic stability) indicates that this missense variant is not expected to disrupt ABCB4 protein function with a negative predictive value of 80%. Studies have shown that this missense change alters ABCB4 gene expression (PMID: 24806754). For these reasons, this variant has been classified as Pathogenic.

Mayo Clinic Laboratories, Mayo Clinic
Classification: Pathogenic. Last evaluated: 2025-06-03. Review status: criteria provided, single submitter. Criteria: ACMG Guidelines, 2015. Collection method: clinical testing. Allele origin: germline. Observed: 1 variant allele.
Comment: PP1, PP3_moderate, PM2_supporting, PM3_strong, PS3_moderate, PS4_moderate

Dasa
Classification: Pathogenic. Last evaluated: 2025-04-13. Review status: criteria provided, single submitter. Criteria: DASA Assertion Criteria. Collection method: clinical testing. Allele origin: germline.
Comment: NM_000443.4(ABCB4):c.959C>T (p.Ser320Phe) is a missense variant that results in the substitution of serine with phenylalanine. This variant has been observed in affected individuals with related phenotype in a genotype context consistent with recessive disease (PMID: 24806754; PMID: 24381502; PMID: 36330364; PMID: 33757843). Functional evidence supports a deleterious effect on the gene or gene product (PMID: 24806754; PMID: 24381502; PMID: 36330364; PMID: 33757843). This variant has been recurrently observed in individuals with related phenotype (PMID: 24806754; PMID: 24381502; PMID: 36330364; PMID: 33757843). Multiple computational predictions support a deleterious effect on the gene or gene product. The variant is present at low frequency in population datasets. Based on the available data, this variant is classified as pathogenic.

Variantyx, Inc.
Classification: Pathogenic for Autosomal recessive ABCB4-related disorders. Last evaluated: 2025-03-25. Review status: criteria provided, single submitter. Criteria: Variantyx Assertion Criteria 2022. Collection method: clinical testing. Allele origin: maternal. Inheritance: Autosomal recessive inheritance.
Comment: This is a nonsynonymous variant in the ABCB4 gene (OMIM: 171060). Pathogenic variants in this gene have been associated with autosomal recessive progressive familial intrahepatic cholestasis 3 (PFIC3). This variant has been reported in the homozygous or compound heterozygous state in many unrelated affected individuals (PMID: 23533021 , 16890614 , 11313316, 28776642, 34376370, 33390354, 32793533 , 33258288 ) (PM3). Functional studies have shown that this variant alters ABCB4 protein function (PMID: 26153658) (PS3) and multiple computational algorithms predict a deleterious effect for this variant (REVEL score: 0.835) (PP3). This variant has a 0.0309% maximum allele frequency in non-founder control populations (PM2). Based on the current evidence, this variant is classified as pathogenic for autosomal recessive progressive familial intrahepatic cholestasis 3.

Blueprint Genetics
Classification: Pathogenic for ABCB4-related disorders. Last evaluated: 2024-09-06. Review status: criteria provided, single submitter. Criteria: ACMG Guidelines, 2015. Collection method: clinical testing. Allele origin: germline. Affected: yes. Observed: 5 variant alleles.

Fulgent Genetics
Classification: Likely pathogenic for Low phospholipid associated cholelithiasis; Progressive familial intrahepatic cholestasis type 3; Cholestasis, intrahepatic, of pregnancy, 3. Last evaluated: 2024-05-22. Review status: criteria provided, single submitter. Criteria: ACMG Guidelines, 2015. Collection method: clinical testing. Allele origin: germline.

Women's Health and Genetics/Laboratory Corporation of America, LabCorp
Classification: Pathogenic for Progressive familial intrahepatic cholestasis. Last evaluated: 2023-03-02. Review status: criteria provided, single submitter. Criteria: LabCorp Variant Classification Summary - May 2015. Collection method: clinical testing. Allele origin: germline.
Comment: Variant summary: ABCB4 c.959C>T (p.Ser320Phe) results in a non-conservative amino acid change located in the ABC transporter type 1, transmembrane domain (IPR011527) of the encoded protein sequence. Five of five in-silico tools predict a damaging effect of the variant on protein function. The variant allele was found at a frequency of 0.00016 in 251176 control chromosomes (gnomAD). This frequency is not significantly higher than estimated for a pathogenic variant in ABCB4 causing Familial Intrahepatic Cholestasis (0.00016 vs 0.0022), allowing no conclusion about variant significance. c.959C>T has been reported in the literature in multiple individuals affected with Familial Intrahepatic Cholestasis (example: Rosmmorduc_2001 and de Vries_2020). These data indicate that the variant is very likely to be associated with disease. Six clinical diagnostic laboratories have submitted clinical-significance assessments for this variant to ClinVar after 2014 and all classified the variant as pathogenic. Based on the evidence outlined above, the variant was classified as pathogenic.